The following is an entry in ClinVar:

ClinVar aggregate classification (germline): Pathogenic/Likely pathogenic. Review status: criteria provided, multiple submitters, no conflicts (2 of 4 stars). 3 submissions from 3 submitters: Pathogenic (1); Likely pathogenic (2). Last evaluated 2025-11-17.

Conditions:
Mucopolysaccharidosis, MPS-III-D (MPS3D). Also called: N-ACETYLGLUCOSAMINE-6-SULFATASE DEFICIENCY; SANFILIPPO SYNDROME D; MPS III D; Mucopoly-saccharidosis type 3D; N-acetylglucosamine-6-sulfate sulfatase deficiency; MPS 3D. Identifiers: Orphanet 581, Orphanet 79272, MedGen C0086650, MONDO:0009658, OMIM 252940.
Sanfilippo syndrome. Also called: Mucopolysaccharidosis type 3; Mucopolysaccharidosis Type III; Sanfilippo disease. Identifiers: Orphanet 581, MedGen C0026706, MONDO:0018937.

gnomAD v4.1: 4 of 1,609,668 alleles (0.00025%); highest among the groups gnomAD compares: Non-Finnish European, 0.00026%; no homozygotes.

Submissions (3):

Natera, Inc.
Classification: Likely pathogenic for Sanfilippo disease. Last evaluated: 2025-11-17. Review status: criteria provided, single submitter. Criteria: Natera Variant Classification Schema (03/2026). Collection method: clinical testing. Allele origin: germline.
Comment: The c.1225C>T variant in GNS is a nonsense variant predicted to introduce a stop codon at amino acid 409. This variant is expected to result in nonsense mediated decay, truncation, or a dysfunctional protein product. This variant is rare in the general population with a frequency below the threshold expected for the associated phenotype(s). Given the available evidence, this variant is classified as Likely Pathogenic.

Fulgent Genetics
Classification: Likely pathogenic for Mucopolysaccharidosis, MPS-III-D. Last evaluated: 2024-01-22. Review status: criteria provided, single submitter. Criteria: ACMG Guidelines, 2015. Collection method: clinical testing. Allele origin: germline.

Labcorp Genetics (formerly Invitae), Labcorp
Classification: Pathogenic for Mucopolysaccharidosis, MPS-III-D. Last evaluated: 2023-10-11. Review status: criteria provided, single submitter. Criteria: Invitae Variant Classification Sherloc (09022015). Collection method: clinical testing. Allele origin: germline.
Comment: This sequence change creates a premature translational stop signal (p.Arg409*) in the GNS gene. It is expected to result in an absent or disrupted protein product. Loss-of-function variants in GNS are known to be pathogenic (PMID: 20232353). This variant is not present in population databases (gnomAD no frequency). This variant has not been reported in the literature in individuals affected with GNS-related conditions. Algorithms developed to predict the effect of sequence changes on RNA splicing suggest that this variant may disrupt the consensus splice site. For these reasons, this variant has been classified as Pathogenic.

Literature cited by the submitters: PubMed 20232353 (cited by Labcorp Genetics (formerly Invitae), Labcorp).

NM_002076.4(GNS):c.1225C>T (p.Arg409Ter)

Gene: GNS (glucosamine (N-acetyl)-6-sulfatase; minus strand). Cytogenetic location: 12q14.3.
Variant type: single nucleotide variant.
Coding change: c.1225C>T on transcript NM_002076.4 (MANE Select); coding-DNA position 1225, C replaced by T.
Protein change: p.Arg409Ter; replaces arginine 409 with a stop codon.
Molecular consequence: nonsense.
Genome position (GRCh38, 1-based): chr12:64,723,089, G>A on the plus strand (C>T on the coding strand, the complement: GNS is on the minus strand). VCF-style: chr12-64723089-G-A. GRCh37 (hg19) VCF-style: chr12-65116869-G-A.
Other names: c.1225C>T (NM_002076.3); short protein forms R409*.
Identifiers: ClinVar variation 2711402 (VCV002711402.5), dbSNP rs2539505252, ClinGen allele CA385603347.
Genomic context (GRCh38, chr12:64,723,089, plus strand): 5'-GGCATGTTGGGTCAGTGACGTTACGGCCTTCTCCTTGGTATTCCACCAGGACATCTGATC[G>A]CCAGGTCAAGTTACTGGCACCTCTCTAGAAAGAAGAGCAAGTGGAATTTCTGTGATGCAC-3'